The following is an entry in ClinVar:

NM_006648.4(WNK2):c.4619C>G (p.Pro1540Arg)

Gene: WNK2 (WNK lysine deficient protein kinase 2; plus strand). Cytogenetic location: 9q22.31.
Variant type: single nucleotide variant.
Coding change: c.4619C>G on transcript NM_006648.4 (MANE Select); coding-DNA position 4619, C replaced by G.
Protein change: p.Pro1540Arg; replaces proline 1540 with arginine.
Molecular consequence: missense variant.
Genome position (GRCh38, 1-based): chr9:93,289,373, C>G. VCF-style: chr9-93289373-C-G. GRCh37 (hg19) VCF-style: chr9-96051655-C-G.
Other names: c.4730C>G, p.Pro1577Arg (NM_001282394.3); short protein forms P1577R, P1540R.
Identifiers: ClinVar variation 4201657 (VCV004201657.1).

ClinVar aggregate classification (germline): Uncertain significance (1 of 4 stars; one submission).

Submission:

Ambry Genetics
Classification: Uncertain significance. Last evaluated: 2025-07-25. Review status: criteria provided, single submitter. Criteria: Ambry Variant Classification Scheme 2023. Collection method: clinical testing. Allele origin: germline.
Comment: The p.P1540R variant (also known as c.4619C>G), located in coding exon 19 of the WNK2 gene, results from a C to G substitution at nucleotide position 4619. The proline at codon 1540 is replaced by arginine, an amino acid with dissimilar properties. This amino acid position is conserved. In addition, this alteration is predicted to be tolerated by in silico analysis. Based on the available evidence, the clinical significance of this variant remains unclear.